The following is an entry in ClinVar:

NM_173494.2(DNAAF6):c.553A>C (p.Thr185Pro)

Gene: DNAAF6 (dynein axonemal assembly factor 6; plus strand). Cytogenetic location: Xq22.3.
Variant type: single nucleotide variant.
Coding change: c.553A>C on transcript NM_173494.2 (MANE Select); coding-DNA position 553, A replaced by C.
Protein change: p.Thr185Pro; replaces threonine 185 with proline.
Molecular consequence: missense variant.
Genome position (GRCh38, 1-based): chrX:107,243,206, A>C. VCF-style: chrX-107243206-A-C. GRCh37 (hg19) VCF-style: chrX-106486436-A-C.
Other names: c.553A>C, p.Thr185Pro (NM_001169154.2); short protein forms T185P.
Identifiers: ClinVar variation 3609916 (VCV003609916.3).

ClinVar aggregate classification (germline): Conflicting classifications of pathogenicity. Review status: criteria provided, conflicting classifications (1 of 4 stars). 2 submissions from 2 submitters: Uncertain significance (1); Likely benign (1). Last evaluated 2024-12-16.

gnomAD v4.1: 11 of 1,207,054 alleles (0.00091%); highest among the groups gnomAD compares: Middle Eastern, 0.16%; no homozygotes.

Submissions (2):

Labcorp Genetics (formerly Invitae), Labcorp
Classification: Uncertain significance. Last evaluated: 2024-12-16. Review status: criteria provided, single submitter. Criteria: Invitae Variant Classification Sherloc (09022015). Collection method: clinical testing. Allele origin: germline.
Comment: This sequence change replaces threonine, which is neutral and polar, with proline, which is neutral and non-polar, at codon 185 of the PIH1D3 protein (p.Thr185Pro). This variant is present in population databases (no rsID available, gnomAD 0.001%). This variant has not been reported in the literature in individuals affected with PIH1D3-related conditions. An algorithm developed to predict the effect of missense changes on protein structure and function (PolyPhen-2) suggests that this variant is likely to be tolerated. In summary, the available evidence is currently insufficient to determine the role of this variant in disease. Therefore, it has been classified as a Variant of Uncertain Significance.

Blueprint Genetics
Classification: Likely benign. Last evaluated: 2022-10-11. Review status: criteria provided, single submitter. Criteria: ACMG Guidelines, 2015. Collection method: clinical testing. Allele origin: germline.